The following is an entry in ClinVar:

ClinVar aggregate classification (germline): Likely benign (1 of 4 stars; one submission).

Allele frequency attached by ClinVar (database versions not stated): ExAC 0.00002; gnomAD 0.00002; gnomAD exomes 0.00002; 1000 Genomes Project 30x 0.00031; 1000 Genomes Project 0.00040.
gnomAD v4.1: 12 of 1,614,186 alleles (0.00074%); highest among the groups gnomAD compares: Middle Eastern, 0.033%; no homozygotes.

Submission:

GeneDx
Classification: Likely benign. Last evaluated: 2016-09-21. Review status: criteria provided, single submitter. Criteria: GeneDx Variant Classification (06012015). Collection method: clinical testing. Allele origin: germline. Affected: yes.
Comment: This variant is considered likely benign or benign based on one or more of the following criteria: it is a conservative change, it occurs at a poorly conserved position in the protein, it is predicted to be benign by multiple in silico algorithms, and/or has population frequency not consistent with disease.

NM_182961.4(SYNE1):c.7357T>C (p.Leu2453=)

Gene: SYNE1 (spectrin repeat containing nuclear envelope protein 1; minus strand). Cytogenetic location: 6q25.2.
Variant type: single nucleotide variant.
Coding change: c.7357T>C on transcript NM_182961.4 (MANE Select); coding-DNA position 7357, T replaced by C.
Protein change: p.Leu2453=; no amino-acid change (leucine 2453 retained).
Molecular consequence: synonymous variant.
Genome position (GRCh38, 1-based): chr6:152,396,974, A>G on the plus strand (T>C on the coding strand, the complement: SYNE1 is on the minus strand). VCF-style: chr6-152396974-A-G. GRCh37 (hg19) VCF-style: chr6-152718109-A-G.
Other names: c.7378T>C, p.Leu2460= (NM_033071.5).
Identifiers: ClinVar variation 389118 (VCV000389118.1), dbSNP rs201692204, ClinGen allele CA4057832.
Genomic context (GRCh38, chr6:152,396,974, plus strand): 5'-AAGTTTGTCCTTCTTGAGTCACTGCATCAAGTTTGCTCTGCCCATCACTGACTGAGTCCA[A>G]AATGTTCTGTTTCAGGAAATAAAGGTAATAGGTCCATGGGACTATGCATTACAATTGTGA-3'
Protein context (NP_892006.3, residues 2443-2463): EAKLHDLQNI[Leu2453=]DSVSDGQSKL